The following is an entry in ClinVar:

ClinVar aggregate classification (germline): Benign (1 of 4 stars; one submission).

Allele frequency attached by ClinVar (database versions not stated): gnomAD 0.06354 and 0.05690; 1000 Genomes Project 0.86761.

Submission:

GeneDx
Classification: Benign. Last evaluated: 2018-06-14. Review status: criteria provided, single submitter. Criteria: GeneDx Variant Classification (06012015). Collection method: clinical testing. Allele origin: germline. Affected: yes.
Comment: This variant is considered likely benign or benign based on one or more of the following criteria: it is a conservative change, it occurs at a poorly conserved position in the protein, it is predicted to be benign by multiple in silico algorithms, and/or has population frequency not consistent with disease.

NM_000744.7(CHRNA4):c.384-157A>G

Gene: CHRNA4 (cholinergic receptor nicotinic alpha 4 subunit; minus strand). Cytogenetic location: 20q13.33.
Variant type: single nucleotide variant.
Coding change: c.384-157A>G on transcript NM_000744.7 (MANE Select); 157 bases into the intron before coding-DNA position 384, A replaced by G.
Molecular consequence: intron variant.
Genome position (GRCh38, 1-based): chr20:63,351,184, T>C on the plus strand (A>G on the coding strand, the complement: CHRNA4 is on the minus strand). VCF-style: chr20-63351184-T-C. GRCh37 (hg19) VCF-style: chr20-61982536-T-C.
Other names: c.-145-157A>G (NM_001256573.2).
Identifiers: ClinVar variation 679139 (VCV000679139.1), dbSNP rs8115452, ClinGen allele CA317436786.